The following is an entry in ClinVar:

ClinVar aggregate classification (germline): Pathogenic (1 of 4 stars; one submission).

Submission:

Labcorp Genetics (formerly Invitae), Labcorp
Classification: Pathogenic. Last evaluated: 2023-12-01. Review status: criteria provided, single submitter. Criteria: Invitae Variant Classification Sherloc (09022015). Collection method: clinical testing. Allele origin: germline.
Comment: This sequence change creates a premature translational stop signal (p.Trp146*) in the DDX41 gene. It is expected to result in an absent or disrupted protein product. Loss-of-function variants in DDX41 are known to be pathogenic (PMID: 26712909, 27133828). This variant is not present in population databases (gnomAD no frequency). This variant has not been reported in the literature in individuals affected with DDX41-related conditions. For these reasons, this variant has been classified as Pathogenic.

Literature cited by the submitters: PubMed 26712909; PubMed 27133828.

NM_016222.4(DDX41):c.438G>A (p.Trp146Ter)

Gene: DDX41 (DEAD-box helicase 41; minus strand). Cytogenetic location: 5q35.3.
Variant type: single nucleotide variant.
Coding change: c.438G>A on transcript NM_016222.4 (MANE Select); coding-DNA position 438, G replaced by A.
Protein change: p.Trp146Ter; replaces tryptophan 146 with a stop codon.
Molecular consequence: nonsense.
Genome position (GRCh38, 1-based): chr5:177,515,818, C>T on the plus strand (G>A on the coding strand, the complement: DDX41 is on the minus strand). VCF-style: chr5-177515818-C-T. GRCh37 (hg19) VCF-style: chr5-176942819-C-T.
Other names: c.60G>A, p.Trp20Ter (NM_001321732.2, NM_001321830.2); short protein forms W20*, W146*.
Identifiers: ClinVar variation 2699965 (VCV002699965.3), dbSNP rs915284509, ClinGen allele CA132893653.
Genomic context (GRCh38, chr5:177,515,818, plus strand): 5'-TTTCTTCCGCACGCGCTCATGTCGCTCTTCAGACATGCTCAGAACATAACGGGGTGGAGT[C>T]CAGCTGTGGATGGGTAACAGGGATCAAGAGAGCCCTGGGAATAGCTGGCCTGGGAGCATC-3'